The following is an entry in ClinVar:

ClinVar aggregate classification (germline): Conflicting classifications of pathogenicity. Review status: criteria provided, conflicting classifications (1 of 4 stars). 3 submissions from 3 submitters: Uncertain significance (1); Likely benign (2). Last evaluated 2024-07-02.

Conditions:
Hereditary spastic paraplegia 54. Also called: Spastic paraplegia 54, autosomal recessive. Identifiers: Orphanet 320380, MedGen C3539495, MONDO:0014018, OMIM 615033.

Allele frequency attached by ClinVar (database versions not stated): ExAC 0.00005; gnomAD exomes 0.00005 and 0.00023; TOPMed 0.00005; gnomAD 0.00009.
gnomAD v4.1: 346 of 1,611,646 alleles (0.021%); highest among the groups gnomAD compares: Non-Finnish European, 0.027%; no homozygotes.

Submissions (3):

Labcorp Genetics (formerly Invitae), Labcorp
Classification: Likely benign for Hereditary spastic paraplegia 54. Last evaluated: 2024-07-02. Review status: criteria provided, single submitter. Criteria: Invitae Variant Classification Sherloc (09022015). Collection method: clinical testing. Allele origin: germline.

CeGaT Center for Human Genetics Tuebingen
Classification: Likely benign. Last evaluated: 2023-01-01. Review status: criteria provided, single submitter. Criteria: CeGaT Center For Human Genetics Tuebingen Variant Classification Criteria Version 2. Collection method: clinical testing. Allele origin: germline. Affected: yes. Observed: 1 variant allele.
Comment: DDHD2: BP4, BP7

Genetic Services Laboratory, University of Chicago
Classification: Uncertain significance. Last evaluated: 2015-08-06. Review status: criteria provided, single submitter. Criteria: ACMG Guidelines, 2015. Collection method: clinical testing. Allele origin: germline. Affected: no.

NM_015214.3(DDHD2):c.277T>C (p.Leu93=)

Gene: DDHD2 (DDHD domain containing 2; plus strand). Cytogenetic location: 8p11.23.
Variant type: single nucleotide variant.
Coding change: c.277T>C on transcript NM_015214.3 (MANE Select); coding-DNA position 277, T replaced by C.
Protein change: p.Leu93=; no amino-acid change (leucine 93 retained).
Molecular consequence: synonymous variant. On other transcripts: non-coding transcript variant (2).
Genome position (GRCh38, 1-based): chr8:38,234,450, T>C. VCF-style: chr8-38234450-T-C. GRCh37 (hg19) VCF-style: chr8-38091968-T-C.
Other names: c.277T>C, p.Leu93= (NM_001164232.2, NM_001164234.2, NM_001362911.2 and 3 more transcripts).
Identifiers: ClinVar variation 434904 (VCV000434904.39), dbSNP rs544728429, ClinGen allele CA4715924.